The following is an entry in ClinVar:

ClinVar aggregate classification (germline): Uncertain significance (1 of 4 stars; one submission).

Submission:

Ambry Genetics
Classification: Uncertain significance. Last evaluated: 2024-04-06. Review status: criteria provided, single submitter. Criteria: Ambry Variant Classification Scheme 2023. Collection method: clinical testing. Allele origin: germline.
Comment: The p.S503P variant (also known as c.1507T>C), located in coding exon 3 of the ALPK2 gene, results from a T to C substitution at nucleotide position 1507. The serine at codon 503 is replaced by proline, an amino acid with similar properties. This amino acid position is conserved. In addition, this alteration is predicted to be tolerated by in silico analysis. Based on the available evidence, the clinical significance of this variant remains unclear.

NM_052947.4(ALPK2):c.1507T>C (p.Ser503Pro)

Gene: ALPK2 (alpha kinase 2; minus strand). Cytogenetic location: 18q21.31.
Variant type: single nucleotide variant.
Coding change: c.1507T>C on transcript NM_052947.4 (MANE Select); coding-DNA position 1507, T replaced by C.
Protein change: p.Ser503Pro; replaces serine 503 with proline.
Molecular consequence: missense variant.
Genome position (GRCh38, 1-based): chr18:58,579,269, A>G on the plus strand (T>C on the coding strand, the complement: ALPK2 is on the minus strand). VCF-style: chr18-58579269-A-G. GRCh37 (hg19) VCF-style: chr18-56246501-A-G.
Other names: short protein forms S503P.
Identifiers: ClinVar variation 3289967 (VCV003289967.1).